The following is an entry in ClinVar:

NM_007294.4(BRCA1):c.4614G>A (p.Gln1538=)

Gene: BRCA1 (BRCA1 DNA repair associated; minus strand). Cytogenetic location: 17q21.31.
Variant type: single nucleotide variant.
Coding change: c.4614G>A on transcript NM_007294.4 (MANE Select); coding-DNA position 4614, G replaced by A.
Protein change: p.Gln1538=; no amino-acid change (glutamine 1538 retained).
Molecular consequence: synonymous variant. On other transcripts: intron variant (3).
Genome position (GRCh38, 1-based): chr17:43,074,392, C>T on the plus strand (G>A on the coding strand, the complement: BRCA1 is on the minus strand). VCF-style: chr17-43074392-C-T. GRCh37 (hg19) VCF-style: chr17-41226409-C-T.
Other names: c.4536G>A, p.Gln1512= (NM_001407653.1, NM_001407654.1, NM_001407655.1); c.4533G>A, p.Gln1511= (NM_001407656.1, NM_001407657.1, NM_001407658.1); c.4530G>A, p.Gln1510= (NM_001407659.1, NM_001407660.1, NM_001407661.1 and 2 more transcripts); c.4491G>A, p.Gln1497= (NM_001407664.1, NM_001407665.1, NM_001407666.1 and 6 more transcripts); c.4488G>A, p.Gln1496= (NM_001407670.1, NM_001407671.1, NM_001407672.1 and 11 more transcripts); c.4485G>A, p.Gln1495= (NM_001407681.1, NM_001407682.1, NM_001407683.1 and 6 more transcripts); c.4614G>A, p.Gln1538= (NM_001407684.1, NM_001407854.1, NM_001407593.1 and 8 more transcripts); c.4482G>A, p.Gln1494= (NM_001407690.1, NM_001407691.1); and 71 more.
Identifiers: ClinVar variation 482910 (VCV000482910.17), dbSNP rs1555581876, ClinGen allele CA500146569.
Genomic context (GRCh38, chr17:43,074,392, plus strand): 5'-TAGATCTTGCCTTGGCAAGTAAGATGTTTCCGTCAAATCGTGTGGCCCAGACTCTTCCAG[C>T]TGTTGCTCCTCCACATCAACAACCTTAATGAGCTCCTCTTGAGATGGGTAGTTTCTATTC-3'
Protein context (NP_009225.1, residues 1528-1548): LIKVVDVEEQ[Gln1538=]LEESGPHDLT

ClinVar aggregate classification (germline): Likely benign. Review status: criteria provided, multiple submitters, no conflicts (2 of 4 stars). 5 submissions from 5 submitters: Likely benign (5). Last evaluated 2025-03-04.

Conditions:
Hereditary cancer-predisposing syndrome. Also called: Neoplastic Syndromes, Hereditary; Tumor predisposition; Hereditary Cancer Syndrome; Hereditary neoplastic syndrome. Identifiers: Orphanet 140162, MedGen C0027672, MeSH D009386, MONDO:0015356.
Hereditary breast ovarian cancer syndrome. Also called: Hereditary breast and ovarian cancer syndrome; Hereditary breast and ovarian cancer; Hereditary breast and ovarian cancer syndrome (HBOC); Breast and ovarian cancer; Hereditary breast and/or ovarian cancer syndrome; BRCA1- and BRCA2-Associated Hereditary Breast and Ovarian Cancer. Identifiers: Orphanet 145, MedGen C0677776, MeSH D061325, MONDO:0003582. Disease mechanism: loss of function.

Allele frequency attached by ClinVar (database versions not stated): gnomAD exomes below 0.00001.
gnomAD v4.1: 3 of 1,614,172 alleles (0.00019%); highest among the groups gnomAD compares: Non-Finnish European, 0.00025%; no homozygotes.

Submissions (5):

Center for Genomic Medicine, Rigshospitalet, Copenhagen University Hospital
Classification: Likely benign. Last evaluated: 2025-03-04. Review status: criteria provided, single submitter. Criteria: ACMG Guidelines, 2015. Collection method: clinical testing. Allele origin: germline.

Labcorp Genetics (formerly Invitae), Labcorp
Classification: Likely benign for Hereditary breast ovarian cancer syndrome. Last evaluated: 2023-03-01. Review status: criteria provided, single submitter. Criteria: Invitae Variant Classification Sherloc (09022015). Collection method: clinical testing. Allele origin: germline.

Women's Health and Genetics/Laboratory Corporation of America, LabCorp
Classification: Likely benign. Last evaluated: 2020-04-17. Review status: criteria provided, single submitter. Criteria: LabCorp Variant Classification Summary - May 2015. Collection method: clinical testing. Allele origin: germline.

GeneDx
Classification: Likely benign. Last evaluated: 2017-02-22. Review status: criteria provided, single submitter. Criteria: GeneDx Variant Classification (06012015). Collection method: clinical testing. Allele origin: germline. Affected: yes.
Comment: This variant is considered likely benign or benign based on one or more of the following criteria: it is a conservative change, it occurs at a poorly conserved position in the protein, it is predicted to be benign by multiple in silico algorithms, and/or has population frequency not consistent with disease.

Ambry Genetics
Classification: Likely benign for Hereditary cancer-predisposing syndrome. Last evaluated: 2016-06-02. Review status: criteria provided, single submitter. Criteria: Ambry Variant Classification Scheme 2023. Collection method: clinical testing. Allele origin: germline.